The following is an entry in ClinVar:

NM_001384732.1(CPLANE1):c.466del (p.Ser156fs)

Gene: CPLANE1 (ciliogenesis and planar polarity effector complex subunit 1; minus strand). Cytogenetic location: 5p13.2.
Variant type: Deletion.
Coding change: c.466del on transcript NM_001384732.1 (MANE Select); coding-DNA position 466, one base deleted (T; older notation c.466delT).
Protein change: p.Ser156fs; shifts the reading frame from serine 156.
Molecular consequence: frameshift variant.
Genome position (GRCh38, 1-based): chr5:37,244,479, A deleted on the plus strand (T on the coding strand, the reverse complement: CPLANE1 is on the minus strand); the first of 3 consecutive A bases (chr5:37,244,479-37,244,481); deleting any one gives the same sequence. VCF-style (leftmost placement, unchanged base first): chr5-37244478-GA-G. GRCh37 (hg19) VCF-style: chr5-37244580-GA-G.
Other names: c.466del, p.Ser156fs (NM_023073.4); c.466del (NM_023073.3); short protein forms S156fs.
Identifiers: ClinVar variation 3592583 (VCV003592583.3).

ClinVar aggregate classification (germline): Pathogenic/Likely pathogenic. Review status: criteria provided, multiple submitters, no conflicts (2 of 4 stars). 2 submissions from 2 submitters: Pathogenic (1); Likely pathogenic (1). Last evaluated 2024-06-09.

Conditions:
Joubert syndrome 17 (JBTS17). Identifiers: Orphanet 475, MedGen C3553264, MONDO:0013824, OMIM 614615.
Orofaciodigital syndrome type 6 (OFD6). Also called: OROFACIODIGITAL SYNDROME VI; OFDS VI; POLYDACTYLY, CLEFT LIP/PALATE OR LINGUAL LUMP, AND PSYCHOMOTOR RETARDATION; VARADI SYNDROME; VARADI-PAPP SYNDROME; Oral-facial-digital syndrome type 6. Identifiers: Orphanet 2754, MedGen C2745997, MONDO:0010176, OMIM 277170.

Submissions (2):

Labcorp Genetics (formerly Invitae), Labcorp
Classification: Pathogenic. Last evaluated: 2024-06-09. Review status: criteria provided, single submitter. Criteria: Invitae Variant Classification Sherloc (09022015). Collection method: clinical testing. Allele origin: germline.
Comment: This sequence change creates a premature translational stop signal (p.Ser156Hisfs*26) in the CPLANE1 gene. It is expected to result in an absent or disrupted protein product. Loss-of-function variants in CPLANE1 are known to be pathogenic (PMID: 24178751, 26092869). This variant is present in population databases (no rsID available, gnomAD 0.01%). This variant has not been reported in the literature in individuals affected with CPLANE1-related conditions. For these reasons, this variant has been classified as Pathogenic.

Fulgent Genetics
Classification: Likely pathogenic for Orofaciodigital syndrome type 6; Joubert syndrome 17. Last evaluated: 2024-03-26. Review status: criteria provided, single submitter. Criteria: ACMG Guidelines, 2015. Collection method: clinical testing. Allele origin: germline.

Literature cited by the submitters: PubMed 24178751 (cited by Labcorp Genetics (formerly Invitae), Labcorp); PubMed 26092869 (cited by Labcorp Genetics (formerly Invitae), Labcorp).